The following is an entry in ClinVar:

NM_003482.4(KMT2D):c.5526T>C (p.Asp1842=)

Gene: KMT2D (lysine methyltransferase 2D; minus strand). Cytogenetic location: 12q13.12.
Variant type: single nucleotide variant.
Coding change: c.5526T>C on transcript NM_003482.4 (MANE Select); coding-DNA position 5526, T replaced by C.
Protein change: p.Asp1842=; no amino-acid change (aspartic acid 1842 retained).
Molecular consequence: synonymous variant.
Genome position (GRCh38, 1-based): chr12:49,043,370, A>G on the plus strand (T>C on the coding strand, the complement: KMT2D is on the minus strand). VCF-style: chr12-49043370-A-G. GRCh37 (hg19) VCF-style: chr12-49437153-A-G.
Identifiers: ClinVar variation 290039 (VCV000290039.44), dbSNP rs137955659, ClinGen allele CA6547520.

ClinVar aggregate classification (germline): Conflicting classifications of pathogenicity. Review status: criteria provided, conflicting classifications (1 of 4 stars). 5 submissions from 5 submitters: Uncertain significance (1); Benign (1); Likely benign (2). 1 of the submissions does not count toward it. Last evaluated 2026-02-04.

Conditions:
KMT2D-related disorder. Also called: KMT2D-Related Disorders.
Kabuki syndrome. Also called: Kabuki make-up syndrome; NIIKAWA-KUROKI SYNDROME. Identifiers: Orphanet 2322, MedGen C0796004, MONDO:0016512.

Allele frequency attached by ClinVar (database versions not stated): ExAC 0.00014; gnomAD 0.00015 and 0.00017; ESP Exome Variant Server 0.00016; gnomAD exomes 0.00016 and 0.00021; TOPMed 0.00016; 1000 Genomes Project 30x 0.00047; 1000 Genomes Project 0.00060.

Submissions (5):

Labcorp Genetics (formerly Invitae), Labcorp
Classification: Likely benign for Kabuki syndrome. Last evaluated: 2026-02-04. Review status: criteria provided, single submitter. Criteria: Invitae Variant Classification Sherloc (09022015). Collection method: clinical testing. Allele origin: germline.

CeGaT Center for Human Genetics Tuebingen
Classification: Likely benign. Last evaluated: 2025-02-01. Review status: criteria provided, single submitter. Criteria: CeGaT Center For Human Genetics Tuebingen Variant Classification Criteria Version 2. Collection method: clinical testing. Allele origin: germline. Affected: yes. Observed: 5 variant alleles.
Comment: KMT2D: BP4, BP7

GeneDx
Classification: Benign. Last evaluated: 2019-10-11. Review status: criteria provided, single submitter. Criteria: GeneDx Variant Classification Process June 2021. Collection method: clinical testing. Allele origin: germline. Affected: yes.

Eurofins Ntd Llc (ga)
Classification: Uncertain significance. Last evaluated: 2016-09-01. Review status: criteria provided, single submitter. Criteria: EGL Classification Definitions 2015. Collection method: clinical testing. Allele origin: germline. Observed: 1 variant allele, 1 heterozygote.

PreventionGenetics, part of Exact Sciences
Classification: Likely benign for KMT2D-related condition. Last evaluated: 2022-01-06. Review status: no assertion criteria provided. Collection method: clinical testing. Allele origin: germline. Not counted in ClinVar's aggregate classification.
Comment: This variant is classified as likely benign based on ACMG/AMP sequence variant interpretation guidelines (Richards et al. 2015 PMID: 25741868, with internal and published modifications).